The following is an entry in ClinVar:

ClinVar aggregate classification (germline): Uncertain significance (1 of 4 stars; one submission).

Conditions:
Leber congenital amaurosis 3 (LCA3). Also called: SPATA7-Related Retinitis Pigmentosa. Identifiers: MedGen C1858677, MONDO:0011415, OMIM 604232.

Allele frequency attached by ClinVar (database versions not stated): gnomAD exomes below 0.00001; gnomAD 0.00001; TOPMed 0.00001.

Submission:

Labcorp Genetics (formerly Invitae), Labcorp
Classification: Uncertain significance for Leber congenital amaurosis 3. Last evaluated: 2022-06-13. Review status: criteria provided, single submitter. Criteria: Invitae Variant Classification Sherloc (09022015). Collection method: clinical testing. Allele origin: germline.
Comment: This sequence change replaces arginine, which is basic and polar, with tryptophan, which is neutral and slightly polar, at codon 5 of the SPATA7 protein (p.Arg5Trp). The frequency data for this variant in the population databases is considered unreliable, as metrics indicate poor data quality at this position in the gnomAD database. This variant has not been reported in the literature in individuals affected with SPATA7-related conditions. Algorithms developed to predict the effect of missense changes on protein structure and function are either unavailable or do not agree on the potential impact of this missense change (SIFT: "Deleterious"; PolyPhen-2: "Probably Damaging"; Align-GVGD: "Class C0"). In summary, the available evidence is currently insufficient to determine the role of this variant in disease. Therefore, it has been classified as a Variant of Uncertain Significance.

NM_018418.5(SPATA7):c.13C>T (p.Arg5Trp)

Genes: SPATA7 (spermatogenesis associated 7; plus strand), LOC130056226 (ATAC-STARR-seq lymphoblastoid active region 8840; plus strand). Cytogenetic location: 14q31.3.
Variant type: single nucleotide variant.
Coding change: c.13C>T on transcript NM_018418.5 (MANE Select); coding-DNA position 13, C replaced by T.
Protein change: p.Arg5Trp; replaces arginine 5 with tryptophan.
Molecular consequence: missense variant.
Genome position (GRCh38, 1-based): chr14:88,385,831, C>T. VCF-style: chr14-88385831-C-T. GRCh37 (hg19) VCF-style: chr14-88852175-C-T.
Other names: c.13C>T, p.Arg5Trp (NM_001040428.4); short protein forms R5W.
Identifiers: ClinVar variation 1384034 (VCV001384034.5), dbSNP rs1354221096, ClinGen allele CA390543444.